The following is an entry in ClinVar:

ClinVar aggregate classification (germline): Uncertain significance (1 of 4 stars; one submission).

gnomAD v4.1: 6 of 1,613,696 alleles (0.00037%); highest among the groups gnomAD compares: Admixed American, 0.01%; no homozygotes.

Submission:

Mayo Clinic Laboratories, Mayo Clinic
Classification: Uncertain significance. Last evaluated: 2024-02-14. Review status: criteria provided, single submitter. Criteria: ACMG Guidelines, 2015. Collection method: clinical testing. Allele origin: germline. Observed: 1 variant allele.
Comment: PP2, PP3, PM2_moderate

NM_001346249.2(RALGAPA1):c.1934T>C (p.Leu645Ser)

Gene: RALGAPA1 (Ral GTPase activating protein catalytic subunit alpha 1; minus strand). Cytogenetic location: 14q13.2.
Variant type: single nucleotide variant.
Coding change: c.1934T>C on transcript NM_001346249.2 (MANE Select); coding-DNA position 1934, T replaced by C.
Protein change: p.Leu645Ser; replaces leucine 645 with serine.
Molecular consequence: missense variant.
Genome position (GRCh38, 1-based): chr14:35,723,197, A>G on the plus strand (T>C on the coding strand, the complement: RALGAPA1 is on the minus strand). VCF-style: chr14-35723197-A-G. GRCh37 (hg19) VCF-style: chr14-36192403-A-G.
Other names: p.Leu645Ser; c.1934T>C, p.Leu645Ser (NM_001283043.3, NM_001283044.3, NM_001330075.3 and 7 more transcripts); short protein forms L645S.
Identifiers: ClinVar variation 3380187 (VCV003380187.1).